The following is an entry in ClinVar:

NM_139058.3(ARX):c.-567_2del

Gene: ARX (aristaless related homeobox; minus strand). Cytogenetic location: Xp21.3.
Variant type: Deletion.
Coding change: c.-567_2del on transcript NM_139058.3 (MANE Select); 567 bases upstream of the start codon through coding-DNA position 2, 569 bases deleted.
Molecular consequence: initiator codon variant.
Genome position (GRCh38, 1-based): chrX:25,015,736-25,016,304, 569 bases deleted. GRCh37 (hg19): chrX:25,033,853-25,034,421.
Identifiers: ClinVar variation 4879422 (VCV004879422.1).

ClinVar aggregate classification (germline): Pathogenic (1 of 4 stars; one submission).

Conditions:
Developmental and epileptic encephalopathy, 1 (DEE1). Also called: INFANTILE SPASM SYNDROME, X-LINKED 1; X-linked infantile spasms; West's syndrome; Tonic spasms with clustering, arrest of psychomotor development and hypsarrhythmia on EEG; X-Linked Infantile Spasm Syndrome; OHTAHARA SYNDROME, X-LINKED. Identifiers: MedGen C3463992, MONDO:0010632, OMIM 308350. Disease mechanism: loss of function.

Submission:

Institute of Human Genetics, University of Leipzig Medical Center
Classification: Pathogenic for Developmental and epileptic encephalopathy, 1. Last evaluated: 2026-06-30. Review status: criteria provided, single submitter. Criteria: ACMG Guidelines, 2015. Collection method: clinical testing. Allele origin: maternal. Inheritance: X-linked recessive inheritance. Affected: yes.
Comment: Criteria applied: PVS1, PM2